The following is an entry in ClinVar:

NM_006946.4(SPTBN2):c.4800G>A (p.Ala1600=)

Gene: SPTBN2 (spectrin beta, non-erythrocytic 2; minus strand). Cytogenetic location: 11q13.2.
Variant type: single nucleotide variant.
Coding change: c.4800G>A on transcript NM_006946.4 (MANE Select); coding-DNA position 4800, G replaced by A.
Protein change: p.Ala1600=; no amino-acid change (alanine 1600 retained).
Molecular consequence: synonymous variant.
Genome position (GRCh38, 1-based): chr11:66,693,240, C>T on the plus strand (G>A on the coding strand, the complement: SPTBN2 is on the minus strand). VCF-style: chr11-66693240-C-T. GRCh37 (hg19) VCF-style: chr11-66460711-C-T.
Identifiers: ClinVar variation 994466 (VCV000994466.21), dbSNP rs146007976, ClinGen allele CA6128468.

ClinVar aggregate classification (germline): Benign/Likely benign. Review status: criteria provided, multiple submitters, no conflicts (2 of 4 stars). 4 submissions from 4 submitters: Benign (2); Likely benign (2). Last evaluated 2025-05-09.

Allele frequency attached by ClinVar (database versions not stated): 1000 Genomes Project 30x 0.00016; 1000 Genomes Project 0.00020; gnomAD 0.00022 and 0.00024; TOPMed 0.00030; ESP Exome Variant Server 0.00031.

Submissions (4):

Athena Diagnostics
Classification: Benign. Last evaluated: 2025-05-09. Review status: criteria provided, single submitter. Criteria: Athena Diagnostics Criteria. Collection method: clinical testing. Allele origin: unknown.
Comment: The frequency of this variant in the general population is higher than would generally be expected for pathogenic variants in this gene. Computational tools yielded predictions that this variant is unlikely to have an effect on normal RNA splicing. This nucleotide position exhibits low evolutionary conservation.

CeGaT Center for Human Genetics Tuebingen
Classification: Likely benign. Last evaluated: 2024-12-01. Review status: criteria provided, single submitter. Criteria: CeGaT Center For Human Genetics Tuebingen Variant Classification Criteria Version 2. Collection method: clinical testing. Allele origin: germline. Affected: yes. Observed: 2 variant alleles.
Comment: SPTBN2: BP4, BP7

Labcorp Genetics (formerly Invitae), Labcorp
Classification: Likely benign. Last evaluated: 2024-10-26. Review status: criteria provided, single submitter. Criteria: Invitae Variant Classification Sherloc (09022015). Collection method: clinical testing. Allele origin: germline.

Breakthrough Genomics
Classification: Benign. Review status: criteria provided, single submitter. Criteria: ACMG Guidelines, 2015. Collection method: not provided. Allele origin: germline. Inheritance: Autosomal recessive inheritance. Affected: yes.